The following is an entry in ClinVar:

NM_006206.6(PDGFRA):c.1942_1945dup (p.Thr649fs)

Gene: PDGFRA (platelet derived growth factor receptor alpha; plus strand). Cytogenetic location: 4q12.
Variant type: Duplication.
Coding change: c.1942_1945dup on transcript NM_006206.6 (MANE Select); coding-DNA positions 1942 to 1945, 4 bases duplicated (ATGA; older notation c.1942_1945dupATGA).
Protein change: p.Thr649fs; shifts the reading frame from threonine 649.
Molecular consequence: frameshift variant.
Genome position (GRCh38, 1-based): chr4:54,277,946-54,277,949, ATGA duplicated; duplicating any 4 consecutive bases within chr4:54,277,945-54,277,949 gives the same sequence; the c. name uses the placement nearest the transcript's 3' end. VCF-style (leftmost placement, unchanged base first): chr4-54277944-T-TAATG. GRCh37 (hg19) VCF-style: chr4-55144111-T-TAATG.
Other names: c.1942_1945dup, p.Thr649fs (NM_001347827.2, NM_001347829.2); c.2017_2020dup, p.Thr674fs (NM_001347828.2); c.1981_1984dup, p.Thr662fs (NM_001347830.2); c.1942_1945dupATGA (NM_006206.4); short protein forms T649fs, T662fs, T674fs.
Identifiers: ClinVar variation 4861753 (VCV004861753.1).

ClinVar aggregate classification (germline): Uncertain significance (1 of 4 stars; one submission).

Conditions:
Hereditary cancer-predisposing syndrome. Also called: Neoplastic Syndromes, Hereditary; Tumor predisposition; Hereditary Cancer Syndrome; Hereditary neoplastic syndrome. Identifiers: Orphanet 140162, MedGen C0027672, MeSH D009386, MONDO:0015356.

Submission:

Ambry Genetics
Classification: Uncertain significance for Hereditary cancer-predisposing syndrome. Last evaluated: 2026-06-09. Review status: criteria provided, single submitter. Criteria: Ambry Variant Classification Scheme 2023. Collection method: clinical testing. Allele origin: germline.
Comment: The c.1942_1945dupATGA variant, located in coding exon 13 of the PDGFRA gene, results from a duplication of ATGA at nucleotide position 1942, causing a translational frameshift with a predicted alternate stop codon (p.T649Nfs*41). This variant is expected to result in protein truncation or nonsense-mediated mRNA decay. However, loss of function has not been established as a mechanism of disease. Based on the available evidence, the clinical significance of this variant remains unclear.